The following is an entry in ClinVar:

ClinVar aggregate classification (germline): Uncertain significance. Review status: criteria provided, multiple submitters, no conflicts (2 of 4 stars). 2 submissions from 2 submitters: Uncertain significance (2). Last evaluated 2024-09-07.

Conditions:
Intellectual developmental disorder, autosomal dominant 56. Also called: Intellectual disability, autosomal dominant 56; MENTAL RETARDATION, AUTOSOMAL DOMINANT 56. Identifiers: MedGen C4693389, MONDO:0030922, OMIM 617854.
Inborn genetic diseases. Identifiers: MedGen C0950123, MeSH D030342.

Allele frequency attached by ClinVar (database versions not stated): gnomAD exomes below 0.00001.

Submissions (2):

Ambry Genetics
Classification: Uncertain significance for Inborn genetic diseases. Last evaluated: 2024-09-07. Review status: criteria provided, single submitter. Criteria: Ambry Variant Classification Scheme 2023. Collection method: clinical testing. Allele origin: germline.
Comment: The c.3137G>A (p.R1046H) alteration is located in coding exon 20 of the CLTC gene. This alteration results from a G to A substitution at nucleotide position 3137, causing the arginine (R) at amino acid position 1046 to be replaced by a histidine (H). Based on data from gnomAD, the A allele has an overall frequency of <0.001% (1/250954) total alleles studied. The highest observed frequency was 0.003% (1/30608) of South Asian alleles. This amino acid position is highly conserved in available vertebrate species. The in silico prediction for this alteration is inconclusive. Based on insufficient or conflicting evidence, the clinical significance of this alteration remains unclear.

Illumina Laboratory Services, Illumina
Classification: Uncertain significance for Intellectual developmental disorder, autosomal dominant 56. Last evaluated: 2021-11-15. Review status: criteria provided, single submitter. Criteria: ICSLVariantClassificationCriteria RUGD 01 April 2020. Collection method: clinical testing. Allele origin: unknown.
Comment: The CLTC c.3149G>A (p.Arg1050His) variant is a missense variant. A literature search was performed for the gene, cDNA change, and amino acid change. No publications were found based on this search. This variant is located in a CHCR repeat of the heavy chain arm of the CLTC protein in which other de novo missense variants and small in-frame indels have been previously reported in individuals with CLTC-related neurodevelopmental disorder (Nabais Sa et al. 2020). The p.Arg1050His variant is reported at a frequency of 0.000033 in the South Asian population in version 2.1.1 of the Genome Aggregation Database, though this is based on one allele in a region of good sequence coverage so the variant is presumed to be rare. The variant is predicted to be deleterious by a majority of in silico predictors, but no functional studies have been conducted. Based on the available evidence, the p.Arg1050His variant is classified as a variant of uncertain significance for CLTC-related intellectual disability.

Literature cited by the submitters: PubMed 22831640 (cited by Ambry Genetics); PubMed 31776469 (cited by Illumina Laboratory Services, Illumina).

NM_004859.4(CLTC):c.3137G>A (p.Arg1046His)

Gene: CLTC (clathrin heavy chain; plus strand). Cytogenetic location: 17q23.1.
Variant type: single nucleotide variant.
Coding change: c.3137G>A on transcript NM_004859.4 (MANE Select); coding-DNA position 3137, G replaced by A.
Protein change: p.Arg1046His; replaces arginine 1046 with histidine.
Molecular consequence: missense variant.
Genome position (GRCh38, 1-based): chr17:59,681,366, G>A. VCF-style: chr17-59681366-G-A. GRCh37 (hg19) VCF-style: chr17-57758727-G-A.
Other names: c.3149G>A, p.Arg1050His (NM_001288653.2); short protein forms R1046H, R1050H.
Identifiers: ClinVar variation 521501 (VCV000521501.10), dbSNP rs1376342815, ClinGen allele CA16040305.